The following is an entry in ClinVar:

ClinVar aggregate classification (germline): Uncertain significance (1 of 4 stars; one submission).

Submission:

GeneDx
Classification: Uncertain significance. Last evaluated: 2022-07-01. Review status: criteria provided, single submitter. Criteria: GeneDx Variant Classification Process June 2021. Collection method: clinical testing. Allele origin: germline. Affected: yes.
Comment: Not observed at significant frequency in large population cohorts (gnomAD); In silico analysis supports that this missense variant has a deleterious effect on protein structure/function; Has not been previously published as pathogenic or benign to our knowledge

NM_002661.5(PLCG2):c.493G>A (p.Glu165Lys)

Gene: PLCG2 (phospholipase C gamma 2; plus strand). Cytogenetic location: 16q23.3.
Variant type: single nucleotide variant.
Coding change: c.493G>A on transcript NM_002661.5 (MANE Select); coding-DNA position 493, G replaced by A.
Protein change: p.Glu165Lys; replaces glutamic acid 165 with lysine.
Molecular consequence: missense variant.
Genome position (GRCh38, 1-based): chr16:81,869,227, G>A. VCF-style: chr16-81869227-G-A. GRCh37 (hg19) VCF-style: chr16-81902832-G-A.
Other names: short protein forms E165K.
Identifiers: ClinVar variation 1810075 (VCV001810075.1), dbSNP rs542611829, ClinGen allele CA396902907.